The following is an entry in ClinVar:

ClinVar aggregate classification (germline): Uncertain significance (1 of 4 stars; one submission).

Conditions:
Hereditary spastic paraplegia 48. Also called: SPASTIC PARAPLEGIA 48, AUTOSOMAL RECESSIVE; Spastic paraplegia 48. Identifiers: Orphanet 306511, MedGen C3150901, MONDO:0013342, OMIM 613647.

Allele frequency attached by ClinVar (database versions not stated): gnomAD exomes below 0.00001; ExAC 0.00001.
gnomAD v4.1: 2 of 1,613,736 alleles (0.00012%); highest among the groups gnomAD compares: Non-Finnish European, 0.000085%; no homozygotes.

Submission:

Baylor Genetics
Classification: Uncertain significance for Hereditary spastic paraplegia 48. Last evaluated: 2020-07-09. Review status: criteria provided, single submitter. Criteria: ACMG Guidelines, 2015. Collection method: clinical testing. Allele origin: unknown. Affected: yes.
Comment: This variant was determined to be of uncertain significance according to ACMG Guidelines, 2015 [PMID:25741868].

NM_014855.3(AP5Z1):c.57G>T (p.Glu19Asp)

Gene: AP5Z1 (adaptor related protein complex 5 subunit zeta 1; plus strand). Cytogenetic location: 7p22.1.
Variant type: single nucleotide variant.
Coding change: c.57G>T on transcript NM_014855.3 (MANE Select); coding-DNA position 57, G replaced by T.
Protein change: p.Glu19Asp; replaces glutamic acid 19 with aspartic acid.
Molecular consequence: missense variant. On other transcripts: 5 prime UTR variant (1), non-coding transcript variant (1).
Genome position (GRCh38, 1-based): chr7:4,781,190, G>T. VCF-style: chr7-4781190-G-T. GRCh37 (hg19) VCF-style: chr7-4820821-G-T.
Other names: c.-225G>T (NM_001364858.1); short protein forms E19D.
Identifiers: ClinVar variation 1030379 (VCV001030379.1), dbSNP rs752031110, ClinGen allele CA4137028.